The following is an entry in ClinVar:

NM_001113378.2(FANCI):c.3435C>G (p.Phe1145Leu)

Gene: FANCI (FA complementation group I; plus strand). Cytogenetic location: 15q26.1.
Variant type: single nucleotide variant.
Coding change: c.3435C>G on transcript NM_001113378.2 (MANE Select); coding-DNA position 3435, C replaced by G.
Protein change: p.Phe1145Leu; replaces phenylalanine 1145 with leucine.
Molecular consequence: missense variant.
Genome position (GRCh38, 1-based): chr15:89,306,092, C>G. VCF-style: chr15-89306092-C-G. GRCh37 (hg19) VCF-style: chr15-89849323-C-G.
Other names: c.3156C>G, p.Phe1052Leu (NM_001376910.1); c.3435C>G, p.Phe1145Leu (NM_001376911.1); c.3255C>G, p.Phe1085Leu (NM_018193.3); short protein forms F1145L, F1085L, F1052L.
Identifiers: ClinVar variation 568868 (VCV000568868.8), dbSNP rs1344945720, ClinGen allele CA393740520.

ClinVar aggregate classification (germline): Uncertain significance (1 of 4 stars; one submission).

Conditions:
Fanconi anemia (FA). Also called: Fanconi's anemia. Identifiers: Orphanet 84, MedGen C0015625, MeSH D005199, MONDO:0019391.

Allele frequency attached by ClinVar (database versions not stated): gnomAD exomes below 0.00001; gnomAD 0.00001; TOPMed 0.00002.
gnomAD v4.1: 3 of 1,614,082 alleles (0.00019%); highest among the groups gnomAD compares: Non-Finnish European, 0.00025%; no homozygotes.

Submission:

Labcorp Genetics (formerly Invitae), Labcorp
Classification: Uncertain significance for Fanconi anemia. Last evaluated: 2018-01-02. Review status: criteria provided, single submitter. Criteria: Invitae Variant Classification Sherloc (09022015). Collection method: clinical testing. Allele origin: germline.
Comment: In summary, the available evidence is currently insufficient to determine the role of this variant in disease. Therefore, it has been classified as a Variant of Uncertain Significance. Algorithms developed to predict the effect of missense changes on protein structure and function (SIFT, PolyPhen-2, Align-GVGD) all suggest that this variant is likely to be tolerated, but these predictions have not been confirmed by published functional studies and their clinical significance is uncertain. This variant has not been reported in the literature in individuals with FANCI-related disease. This variant is not present in population databases (ExAC no frequency). This sequence change replaces phenylalanine with leucine at codon 1145 of the FANCI protein (p.Phe1145Leu). The phenylalanine residue is moderately conserved and there is a small physicochemical difference between phenylalanine and leucine.